The following is an entry in ClinVar:

ClinVar aggregate classification (germline): Uncertain significance. Review status: criteria provided, single submitter (1 of 4 stars). 2 submissions from 2 submitters: Uncertain significance (1). 1 of the submissions does not count toward it. Last evaluated 2024-09-20.

Conditions:
Crigler-Najjar syndrome. Identifiers: Orphanet 205, MedGen C5551003, MONDO:0009044.

gnomAD v4.1: 1 of 1,614,148 alleles (0.000062%); highest among the groups gnomAD compares: Non-Finnish European, 0.000085%; no homozygotes.

Submissions (2):

Women's Health and Genetics/Laboratory Corporation of America, LabCorp
Classification: Uncertain significance. Last evaluated: 2024-09-20. Review status: criteria provided, single submitter. Criteria: LabCorp Variant Classification Summary - May 2015. Collection method: clinical testing. Allele origin: germline.
Comment: Variant summary: UGT1A1 c.1156G>T (p.Val386Phe) results in a non-conservative amino acid change in the encoded protein sequence. Five of five in-silico tools predict a damaging effect of the variant on protein function. The variant was absent in 249060 control chromosomes (gnomAD). c.1156G>T has been reported in the literature in individuals affected with Crigler-Najjar syndrome (Li_2014, D'antiga_2023). These data indicate that the variant may be associated with disease. To our knowledge, no experimental evidence demonstrating an impact on protein function has been reported. The following publications have been ascertained in the context of this evaluation (PMID: 24793765, 37585628). ClinVar contains an entry for this variant (Variation ID: 2502840). Based on the evidence outlined above, the variant was classified as VUS-possibly pathogenic.

Immunology and Liver Gene Transfer, Genethon
Classification: Pathogenic for Crigler-Najjar syndrome. Review status: no assertion criteria provided. Collection method: clinical testing. Allele origin: unknown. Inheritance: Autosomal recessive inheritance. Affected: yes. Not counted in ClinVar's aggregate classification.

Literature cited by the submitters: PubMed 37585628 (cited by Women's Health and Genetics/Laboratory Corporation of America, LabCorp); PubMed 24793765 (cited by Women's Health and Genetics/Laboratory Corporation of America, LabCorp and Immunology and Liver Gene Transfer, Genethon).

NM_000463.3(UGT1A1):c.1156G>T (p.Val386Phe)

Genes: UGT1A (UDP glucuronosyltransferase family 1 member A complex locus; plus strand), UGT1A10 (UDP glucuronosyltransferase family 1 member A10; plus strand), UGT1A6 (UDP glucuronosyltransferase family 1 member A6; plus strand), UGT1A1 (UDP glucuronosyltransferase family 1 member A1; plus strand), UGT1A4 (UDP glucuronosyltransferase family 1 member A4; plus strand) and 5 more. Cytogenetic location: 2q37.1.
Variant type: single nucleotide variant.
Coding change: c.1156G>T on transcript NM_000463.3 (MANE Select); coding-DNA position 1156, G replaced by T.
Protein change: p.Val386Phe; replaces valine 386 with phenylalanine.
Molecular consequence: missense variant.
Genome position (GRCh38, 1-based): chr2:233,768,291, G>T. VCF-style: chr2-233768291-G-T. GRCh37 (hg19) VCF-style: chr2-234676937-G-T.
Other names: c.1147G>T, p.Val383Phe (NM_019075.4, NM_019076.5, NM_019077.3 and 1 more transcripts); c.1153G>T, p.Val385Phe (NM_001072.4); c.352G>T, p.Val118Phe (NM_205862.3); c.1159G>T, p.Val387Phe (NM_019078.2, NM_007120.3, NM_019093.4); short protein forms V118F, V383F, V385F, V386F, V387F.
Identifiers: ClinVar variation 2502840 (VCV002502840.3), dbSNP rs143573365, ClinGen allele CA351074165.